The following is an entry in ClinVar:

NM_032776.3(JMJD1C):c.1636C>T (p.His546Tyr)

Gene: JMJD1C (jumonji domain containing 1C; minus strand). Cytogenetic location: 10q21.3.
Variant type: single nucleotide variant.
Coding change: c.1636C>T on transcript NM_032776.3 (MANE Select); coding-DNA position 1636, C replaced by T.
Protein change: p.His546Tyr; replaces histidine 546 with tyrosine.
Molecular consequence: missense variant. On other transcripts: non-coding transcript variant (1).
Genome position (GRCh38, 1-based): chr10:63,214,531, G>A on the plus strand (C>T on the coding strand, the complement: JMJD1C is on the minus strand). VCF-style: chr10-63214531-G-A. GRCh37 (hg19) VCF-style: chr10-64974291-G-A.
Other names: c.1090C>T, p.His364Tyr (NM_001282948.2, NM_001318154.2); c.772C>T, p.His258Tyr (NM_001318153.2); c.1522C>T, p.His508Tyr (NM_001322252.2); c.979C>T, p.His327Tyr (NM_001322254.2, NM_001322258.2); short protein forms H508Y, H258Y, H364Y, H546Y, H327Y.
Identifiers: ClinVar variation 2049148 (VCV002049148.4), dbSNP rs756662482, ClinGen allele CA5518775.

ClinVar aggregate classification (germline): Uncertain significance (1 of 4 stars; one submission).

Conditions:
Early Myoclonic Encephalopathy. Identifiers: MedGen C0270855.

Allele frequency attached by ClinVar (database versions not stated): gnomAD 0.00001; gnomAD exomes 0.00003; ExAC 0.00005; TOPMed below 0.00001.
gnomAD v4.1: 50 of 1,613,804 alleles (0.0031%); highest among the groups gnomAD compares: Non-Finnish European, 0.0042%; no homozygotes.

Submission:

Labcorp Genetics (formerly Invitae), Labcorp
Classification: Uncertain significance for Early Myoclonic Encephalopathy. Last evaluated: 2023-09-20. Review status: criteria provided, single submitter. Criteria: Invitae Variant Classification Sherloc (09022015). Collection method: clinical testing. Allele origin: germline.
Comment: In summary, the available evidence is currently insufficient to determine the role of this variant in disease. Therefore, it has been classified as a Variant of Uncertain Significance. Advanced modeling of protein sequence and biophysical properties (such as structural, functional, and spatial information, amino acid conservation, physicochemical variation, residue mobility, and thermodynamic stability) performed at Invitae indicates that this missense variant is expected to disrupt JMJD1C protein function. This variant is present in population databases (rs756662482, gnomAD 0.006%). This sequence change replaces histidine, which is basic and polar, with tyrosine, which is neutral and polar, at codon 546 of the JMJD1C protein (p.His546Tyr). ClinVar contains an entry for this variant (Variation ID: 2049148). This variant has not been reported in the literature in individuals affected with JMJD1C-related conditions.